The following is an entry in ClinVar:

NM_001352754.2(ARMC9):c.1551+4C>T

Gene: ARMC9 (armadillo repeat containing 9; plus strand). Cytogenetic location: 2q37.1.
Variant type: single nucleotide variant.
Coding change: c.1551+4C>T on transcript NM_001352754.2 (MANE Select); 4 bases into the intron after coding-DNA position 1551, C replaced by T.
Molecular consequence: intron variant.
Genome position (GRCh38, 1-based): chr2:231,278,462, C>T. VCF-style: chr2-231278462-C-T. GRCh37 (hg19) VCF-style: chr2-232143175-C-T.
Other names: c.1551+4C>T (NM_001271466.4, NM_001352755.2, NM_001352756.2 and 3 more transcripts); c.1452+4C>T (NM_001352757.2, NM_001352758.2).
Identifiers: ClinVar variation 1487670 (VCV001487670.3), dbSNP rs752871654, ClinGen allele CA2160369.
Genomic context (GRCh38, chr2:231,278,462, plus strand): 5'-GTGGCAGGCCTCGTGCTCAAAGTCCTTTCGGATCTTCTTGGCCATGAAAACCATGAGGTA[C>T]TCATTCAGCACTGCTGGCCCTGGGCTCGGGGAGGCTACACTGGGGACCCAATGCCTGTGA-3'

ClinVar aggregate classification (germline): Uncertain significance (1 of 4 stars; one submission).

Allele frequency attached by ClinVar (database versions not stated): gnomAD 0.00004; TOPMed 0.00004; gnomAD exomes 0.00007 and 0.00012; ExAC 0.00020.
gnomAD v4.1: 105 of 1,613,646 alleles (0.0065%); highest among the groups gnomAD compares: Non-Finnish European, 0.0069%; no homozygotes.

Submission:

Labcorp Genetics (formerly Invitae), Labcorp
Classification: Uncertain significance. Last evaluated: 2022-09-30. Review status: criteria provided, single submitter. Criteria: Invitae Variant Classification Sherloc (09022015). Collection method: clinical testing. Allele origin: germline.
Comment: This sequence change falls in intron 15 of the ARMC9 gene. It does not directly change the encoded amino acid sequence of the ARMC9 protein. It affects a nucleotide within the consensus splice site. This variant is present in population databases (rs752871654, gnomAD 0.03%). This variant has not been reported in the literature in individuals affected with ARMC9-related conditions. ClinVar contains an entry for this variant (Variation ID: 1487670). Variants that disrupt the consensus splice site are a relatively common cause of aberrant splicing (PMID: 17576681, 9536098). Experimental studies and prediction algorithms are not available or were not evaluated, and the effect of this variant on mRNA splicing is currently unknown. In summary, the available evidence is currently insufficient to determine the role of this variant in disease. Therefore, it has been classified as a Variant of Uncertain Significance.

Literature cited by the submitters: PubMed 17576681; PubMed 9536098.